The following is an entry in ClinVar:

ClinVar aggregate classification (germline): Likely benign. Review status: criteria provided, multiple submitters, no conflicts (2 of 4 stars). 2 submissions from 2 submitters: Likely benign (2). Last evaluated 2025-03-10.

Conditions:
Ehlers-Danlos syndrome, type 4 (EDSVASC). Also called: Ehlers-Danlos syndrome vascular type; Ehlers Danlos syndrome, ecchymotic type; Ehlers Danlos syndrome, arterial type; Ehlers Danlos syndrome, Sack-Barabas type; Ehlers-Danlos Syndrome Type IV. Identifiers: Orphanet 286, MedGen C0268338, MONDO:0017314, OMIM 130050.

Allele frequency attached by ClinVar (database versions not stated): gnomAD exomes below 0.00001; ExAC 0.00001; gnomAD 0.00001; TOPMed 0.00001; 1000 Genomes Project 30x 0.00016; 1000 Genomes Project 0.00020.
gnomAD v4.1: 3 of 1,613,738 alleles (0.00019%); highest among the groups gnomAD compares: African/African-American, 0.004%; no homozygotes.

Submissions (2):

Labcorp Genetics (formerly Invitae), Labcorp
Classification: Likely benign for Ehlers-Danlos syndrome, type 4. Last evaluated: 2025-03-10. Review status: criteria provided, single submitter. Criteria: Invitae Variant Classification Sherloc (09022015). Collection method: clinical testing. Allele origin: germline.

All of Us Research Program, National Institutes of Health
Classification: Likely benign for Ehlers-Danlos syndrome, type 4. Last evaluated: 2023-08-23. Review status: criteria provided, single submitter. Criteria: ACMG Guidelines, 2015. Collection method: clinical testing. Allele origin: germline. Inheritance: Autosomal dominant inheritance. Observed: 1 variant allele, 1 heterozygote.
Comment: This study involves interpretation of variants in research participants for the purpose of population health screening. Participant phenotype was not available at the time of variant classification. Additional details can be found in publication PMID: 35346344, PMCID: PMC8962531

NM_000090.4(COL3A1):c.2554-4A>G

Gene: COL3A1 (collagen type III alpha 1 chain; plus strand). Cytogenetic location: 2q32.2.
Variant type: single nucleotide variant.
Coding change: c.2554-4A>G on transcript NM_000090.4 (MANE Select); 4 bases into the intron before coding-DNA position 2554, A replaced by G.
Molecular consequence: intron variant.
Genome position (GRCh38, 1-based): chr2:189,003,407, A>G. VCF-style: chr2-189003407-A-G. GRCh37 (hg19) VCF-style: chr2-189868133-A-G.
Identifiers: ClinVar variation 1469927 (VCV001469927.7), dbSNP rs543263157, ClinGen allele CA075400.
Genomic context (GRCh38, chr2:189,003,407, plus strand): 5'-TAATGCTTTTCCCAAATTTTGATTTTGGTGCTATTCTTACATAATTTCCTTCCATTTCAT[A>G]TAGGGTCCTCCTGGTCCCCAAGGTGTCAAAGGTGAACGTGGCAGTCCTGGTGGACCTGTA-3'